The following is an entry in ClinVar:

ClinVar aggregate classification (germline): Uncertain significance (0 of 4 stars; one submission).

Conditions:
DNMT3A-related disorder. Also called: DNMT3A-related condition; DNMT3A-related disorders.

Submission:

PreventionGenetics, part of Exact Sciences
Classification: Uncertain significance for DNMT3A-related condition. Last evaluated: 2024-03-05. Review status: no assertion criteria provided. Collection method: clinical testing. Allele origin: germline.
Comment: The DNMT3A c.51C>A variant is predicted to result in the amino acid substitution p.Ser17Arg. To our knowledge, this variant has not been reported in the literature or in a large population database, indicating this variant is rare. At this time, the clinical significance of this variant is uncertain due to the absence of conclusive functional and genetic evidence.

NM_022552.5(DNMT3A):c.640-1426C>A

Gene: DNMT3A (DNA methyltransferase 3 alpha; minus strand). Cytogenetic location: 2p23.3.
Variant type: single nucleotide variant.
Coding change: c.640-1426C>A on transcript NM_022552.5 (MANE Select); 1426 bases into the intron before coding-DNA position 640, C replaced by A.
Molecular consequence: intron variant. On other transcripts: missense variant (1).
Genome position (GRCh38, 1-based): chr2:25,249,678, G>T on the plus strand (C>A on the coding strand, the complement: DNMT3A is on the minus strand). VCF-style: chr2-25249678-G-T. GRCh37 (hg19) VCF-style: chr2-25472547-G-T.
Other names: c.51C>A, p.Ser17Arg (NM_153759.3); c.640-1426C>A (NM_175629.2); c.184-1426C>A (NM_001320893.1); c.-30-1426C>A (NM_001375819.1); short protein forms S17R.
Identifiers: ClinVar variation 3349848 (VCV003349848.1).
Genomic context (GRCh38, chr2:25,249,678, plus strand): 5'-CCCAGTTATTCTCCCATTGCACAGCCTCCATCCTTTCACCGTATCACACTCGTCTTTCAG[G>T]CTACGATCCACGCGCCCATTCCTTCTCACAACCCGCTCCAGGATCCCTACAAAGGAGAAT-3'